The following is an entry in ClinVar:

NM_057175.5(NAA15):c.249_255del (p.Trp83fs)

Gene: NAA15 (N-alpha-acetyltransferase 15, NatA auxiliary subunit; plus strand). Cytogenetic location: 4q31.1.
Variant type: Deletion.
Coding change: c.249_255del on transcript NM_057175.5 (MANE Select); coding-DNA positions 249 to 255, 7 bases deleted (GCACGTT; older notation c.249_255delGCACGTT).
Protein change: p.Trp83fs; shifts the reading frame from tryptophan 83.
Molecular consequence: frameshift variant.
Genome position (GRCh38, 1-based): chr4:139,340,916-139,340,922, GCACGTT deleted. VCF-style (leftmost placement, unchanged base first): chr4-139340915-GGCACGTT-G. GRCh37 (hg19) VCF-style: chr4-140262069-GGCACGTT-G.
Other names: c.249_255del, p.Trp83fs (NM_001410842.1); short protein forms W83fs.
Identifiers: ClinVar variation 3897959 (VCV003897959.1).

ClinVar aggregate classification (germline): Likely pathogenic (1 of 4 stars; one submission).

Conditions:
Intellectual developmental disorder, autosomal dominant 50, with behavioral abnormalities. Also called: MENTAL RETARDATION, AUTOSOMAL DOMINANT 50; Intellectual disability, autosomal dominant 50. Identifiers: MedGen C4540470, MONDO:0030916, OMIM 617787.

Submission:

Neuberg Centre For Genomic Medicine, NCGM
Classification: Likely pathogenic for Intellectual developmental disorder, autosomal dominant 50, with behavioral abnormalities. Last evaluated: 2024-02-01. Review status: criteria provided, single submitter. Criteria: ACMG Guidelines, 2015. Collection method: clinical testing. Allele origin: germline. Inheritance: Autosomal dominant inheritance.
Comment: This variant in NAA15 gene has not been reported previously as a pathogenic variant nor as a benign variant, to our knowledge